The following is an entry in ClinVar:

ClinVar aggregate classification (germline): Likely pathogenic (1 of 4 stars; one submission).

Conditions:
Loeys-Dietz syndrome 6. Identifiers: MedGen C5562041, MONDO:0030500, OMIM 619656.
Congenital heart defects, multiple types, 8, with or without heterotaxy. Identifiers: MedGen C5562042, MONDO:0859213, OMIM 619657.

Submission:

Molecular Genetics Department, Kulakov National Medical Research Center for Obstetrics, Gynecology and Perinatology
Classification: Likely pathogenic for Loeys-Dietz syndrome 6; Congenital heart defects, multiple types, 8, with or without heterotaxy. Review status: criteria provided, single submitter. Criteria: ACMG Guidelines, 2015. Collection method: clinical testing. Allele origin: germline. Affected: yes. Observed: 1 variant allele.
Comment: A previously undescribed heterozygous nucleotide variant creates a frameshift p.Thr413SerfsTer2 in the SMAD2 gene. Heterozygous variants are reported in patients with congenital heart defects, multiple types, 8, with or without heterotaxy, 619657; Loeys-Dietz syndrome 6, 619656. The variant is not present in population database (gnomAD no frequency). In summary, the currently available evidence indicates that the variant is pathogenic, but additional data are needed to prove that conclusively. Therefore, this variant has been classified as likely pathogenic.

NM_005901.6(SMAD2):c.1239del (p.Thr413_Ile414insTer)

Gene: SMAD2 (SMAD family member 2; minus strand). Cytogenetic location: 18q21.1.
Variant type: Deletion.
Coding change: c.1239del on transcript NM_005901.6 (MANE Select); coding-DNA position 1239, one base deleted (C; older notation c.1239delC).
Protein change: p.Thr413_Ile414insTer.
Molecular consequence: frameshift variant.
Genome position (GRCh38, 1-based): chr18:47,845,381, G deleted on the plus strand (C on the coding strand, the reverse complement: SMAD2 is on the minus strand); the first of 2 consecutive G bases (chr18:47,845,381-47,845,382); deleting either gives the same sequence. VCF-style (leftmost placement, unchanged base first): chr18-47845380-TG-T. GRCh37 (hg19) VCF-style: chr18-45371751-TG-T.
Other names: c.1239del, p.Thr413_Ile414insTer (NM_001003652.4); c.1149del, p.Thr383_Ile384insTer (NM_001135937.3).
Identifiers: ClinVar variation 4294517 (VCV004294517.1).